The following is an entry in ClinVar:

ClinVar aggregate classification (germline): Uncertain significance (1 of 4 stars; one submission).

Conditions:
Cardiovascular phenotype. Identifiers: MedGen CN230736.

Submission:

Ambry Genetics
Classification: Uncertain significance for Cardiovascular phenotype. Last evaluated: 2026-04-20. Review status: criteria provided, single submitter. Criteria: Ambry Variant Classification Scheme 2023. Collection method: clinical testing. Allele origin: germline.
Comment: The p.Q2249K variant (also known as c.6745C>A), located in coding exon 29 of the AKAP9 gene, results from a C to A substitution at nucleotide position 6745. The glutamine at codon 2249 is replaced by lysine, an amino acid with similar properties. This amino acid position is conserved. In addition, this alteration is predicted to be tolerated by in silico analysis. Based on the available evidence, the clinical significance of this variant remains unclear.

NM_005751.5(AKAP9):c.6745C>A (p.Gln2249Lys)

Gene: AKAP9 (A-kinase anchoring protein 9; plus strand). Cytogenetic location: 7q21.2.
Variant type: single nucleotide variant.
Coding change: c.6745C>A on transcript NM_005751.5 (MANE Select); coding-DNA position 6745, C replaced by A.
Protein change: p.Gln2249Lys; replaces glutamine 2249 with lysine.
Molecular consequence: missense variant.
Genome position (GRCh38, 1-based): chr7:92,076,987, C>A. VCF-style: chr7-92076987-C-A. GRCh37 (hg19) VCF-style: chr7-91706301-C-A.
Other names: c.1390C>A, p.Gln464Lys (NM_001379277.1); c.6721C>A, p.Gln2241Lys (NM_147185.3); short protein forms Q2241K, Q2249K, Q464K.
Identifiers: ClinVar variation 4868983 (VCV004868983.1).
Genomic context (GRCh38, chr7:92,076,987, plus strand): 5'-TTACATATGCAATTAGAAATACAGAAAAAGGAATCTACTACCCGCCTACAAGAACTTGAA[C>A]AGGAAAACAAATTATTTAAGGTAATTAGTTAAGAAAAACTTTTATCTGTAAATAAGTCAT-3'
Protein context (NP_005742.4, residues 2239-2259): ESTTRLQELE[Gln2249Lys]ENKLFKDDME